The following is an entry in ClinVar:

NM_015041.3(CLUAP1):c.585G>C (p.Gln195His)

Gene: CLUAP1 (clusterin associated protein 1; plus strand). Cytogenetic location: 16p13.3.
Variant type: single nucleotide variant.
Coding change: c.585G>C on transcript NM_015041.3 (MANE Select); coding-DNA position 585, G replaced by C.
Protein change: p.Gln195His; replaces glutamine 195 with histidine.
Molecular consequence: missense variant.
Genome position (GRCh38, 1-based): chr16:3,519,908, G>C. VCF-style: chr16-3519908-G-C. GRCh37 (hg19) VCF-style: chr16-3569908-G-C.
Other names: c.585G>C, p.Gln195His (NM_001330454.2); c.87G>C, p.Gln29His (NM_024793.3); short protein forms Q29H, Q195H.
Identifiers: ClinVar variation 1415293 (VCV001415293.8), dbSNP rs2037800326, ClinGen allele CA394513094.

ClinVar aggregate classification (germline): Uncertain significance (1 of 4 stars; one submission).

Submission:

Labcorp Genetics (formerly Invitae), Labcorp
Classification: Uncertain significance. Last evaluated: 2022-05-20. Review status: criteria provided, single submitter. Criteria: Invitae Variant Classification Sherloc (09022015). Collection method: clinical testing. Allele origin: germline.
Comment: In summary, the available evidence is currently insufficient to determine the role of this variant in disease. Therefore, it has been classified as a Variant of Uncertain Significance. Algorithms developed to predict the effect of missense changes on protein structure and function are either unavailable or do not agree on the potential impact of this missense change (SIFT: "Tolerated"; PolyPhen-2: "Possibly Damaging"; Align-GVGD: "Class C0"). This variant has not been reported in the literature in individuals affected with CLUAP1-related conditions. This variant is not present in population databases (gnomAD no frequency). This sequence change replaces glutamine, which is neutral and polar, with histidine, which is basic and polar, at codon 195 of the CLUAP1 protein (p.Gln195His).